The following is an entry in ClinVar:

NM_000748.3(CHRNB2):c.16_31dup (p.Leu11fs)

Genes: CHRNB2 (cholinergic receptor nicotinic beta 2 subunit; plus strand), LOC129931511 (ATAC-STARR-seq lymphoblastoid silent region 1363; plus strand). Cytogenetic location: 1q21.3.
Variant type: Duplication.
Coding change: c.16_31dup on transcript NM_000748.3 (MANE Select); coding-DNA positions 16 to 31, 16 bases duplicated (GGCCCCGTGGCGCTGC).
Protein change: p.Leu11fs; shifts the reading frame from leucine 11.
Molecular consequence: frameshift variant.
Genome position (GRCh38, 1-based): chr1:154,568,060-154,568,075, GGCCCCGTGGCGCTGC duplicated; duplicating any 16 consecutive bases within chr1:154,568,052-154,568,075 gives the same sequence; the c. name uses the placement nearest the transcript's 3' end. VCF-style (leftmost placement, unchanged base first): chr1-154568051-C-CGGCGCTGCGGCCCCGT. GRCh37 (hg19) VCF-style: chr1-154540527-C-CGGCGCTGCGGCCCCGT.
Other names: short protein forms L11fs.
Identifiers: ClinVar variation 2713433 (VCV002713433.3), dbSNP rs2526358475, ClinGen allele CA2648171191.

ClinVar aggregate classification (germline): Uncertain significance (1 of 4 stars; one submission).

Conditions:
Familial sleep-related hypermotor epilepsy. Also called: Autosomal Dominant Sleep-Related Hypermotor (Hyperkinetic) Epilepsy. Identifiers: Orphanet 98784, MedGen C3696898, MONDO:0000030.

Submission:

Labcorp Genetics (formerly Invitae), Labcorp
Classification: Uncertain significance. Last evaluated: 2024-01-27. Review status: criteria provided, single submitter. Criteria: Invitae Variant Classification Sherloc (09022015). Collection method: clinical testing. Allele origin: germline.
Comment: This sequence change creates a premature translational stop signal (p.Leu11Argfs*49) in the CHRNB2 gene. It is expected to result in an absent or disrupted protein product. However, the current clinical and genetic evidence is not sufficient to establish whether loss-of-function variants in CHRNB2 cause disease. This variant is not present in population databases (gnomAD no frequency). This variant has not been reported in the literature in individuals affected with CHRNB2-related conditions. In summary, the available evidence is currently insufficient to determine the role of this variant in disease. Therefore, it has been classified as a Variant of Uncertain Significance.